The following is an entry in ClinVar:

NM_006059.4(LAMC3):c.92_93delinsTT (p.Arg31Leu)

Gene: LAMC3 (laminin subunit gamma 3; plus strand). Cytogenetic location: 9q34.12.
Variant type: Indel.
Coding change: c.92_93delinsTT on transcript NM_006059.4 (MANE Select); coding-DNA positions 92 to 93, GC replaced by TT.
Protein change: p.Arg31Leu; replaces arginine 31 with leucine.
Molecular consequence: missense variant.
Genome position (GRCh38, 1-based): chr9:131,009,306-131,009,307, GC replaced by TT. VCF-style: chr9-131009306-GC-TT. GRCh37 (hg19) VCF-style: chr9-133884693-GC-TT.
Other names: short protein forms R31L.
Identifiers: ClinVar variation 2094064 (VCV002094064.4), dbSNP rs2490640935, ClinGen allele CA2580079815.

ClinVar aggregate classification (germline): Uncertain significance (1 of 4 stars; one submission).

Submission:

Labcorp Genetics (formerly Invitae), Labcorp
Classification: Uncertain significance. Last evaluated: 2022-02-06. Review status: criteria provided, single submitter. Criteria: Invitae Variant Classification Sherloc (09022015). Collection method: clinical testing. Allele origin: germline.
Comment: In summary, the available evidence is currently insufficient to determine the role of this variant in disease. Therefore, it has been classified as a Variant of Uncertain Significance. Algorithms developed to predict the effect of missense changes on protein structure and function are either unavailable or do not agree on the potential impact of this missense change (SIFT: "Not Available"; PolyPhen-2: "Benign"; Align-GVGD: "Not Available"). This variant has not been reported in the literature in individuals affected with LAMC3-related conditions. Information on the frequency of this variant in the gnomAD database is not available, as this variant may be reported differently in the database. This variant, c.92_93delinsTT, is a complex sequence change that results in the deletion of 1 and insertion of 1 amino acid(s) in the LAMC3 protein (p.Arg31Leu).